The following is an entry in ClinVar:

NM_003873.7(NRP1):c.526A>G (p.Ile176Val)

Genes: NRP1 (neuropilin 1; minus strand), LOC126860910 (P300/CBP strongly-dependent group 1 enhancer GRCh37_chr10:33552654-33553853; plus strand). Cytogenetic location: 10p11.22.
Variant type: single nucleotide variant.
Coding change: c.526A>G on transcript NM_003873.7 (MANE Select); coding-DNA position 526, A replaced by G.
Protein change: p.Ile176Val; replaces isoleucine 176 with valine.
Molecular consequence: missense variant. On other transcripts: non-coding transcript variant (1).
Genome position (GRCh38, 1-based): chr10:33,263,778, T>C on the plus strand (A>G on the coding strand, the complement: NRP1 is on the minus strand). VCF-style: chr10-33263778-T-C. GRCh37 (hg19) VCF-style: chr10-33552706-T-C.
Other names: c.526A>G, p.Ile176Val (NM_001024628.3, NM_001024629.3, NM_001244972.2 and 2 more transcripts); short protein forms I176V.
Identifiers: ClinVar variation 3356509 (VCV003356509.1).
Genomic context (GRCh38, chr10:33,263,778, plus strand): 5'-GCTCCAGGTCAAAGCTTTCAAATTCCAGGATAATCTCTGACATCTTTGGCACAAAGACAA[T>C]ATAAGTGCATTCAAGGCTGTTGGGATATTTTTCAGGGAATCCGGGGGACTTTATCACTCC-3'
Protein context (NP_003864.5, residues 166-186): KYPNSLECTY[Ile176Val]VFVPKMSEII

ClinVar aggregate classification (germline): Uncertain significance (0 of 4 stars; one submission).

Conditions:
NRP1-related disorder. Also called: NRP1-related condition.

gnomAD v4.1: 10 of 1,613,454 alleles (0.00062%); highest among the groups gnomAD compares: Non-Finnish European, 0.00076%; no homozygotes.

Submission:

PreventionGenetics, part of Exact Sciences
Classification: Uncertain significance for NRP1-related condition. Last evaluated: 2024-09-24. Review status: no assertion criteria provided. Collection method: clinical testing. Allele origin: germline.
Comment: The NRP1 c.526A>G variant is predicted to result in the amino acid substitution p.Ile176Val. To our knowledge, this variant has not been reported in the literature. This variant is reported in 0.0035% of alleles in individuals of European (Non-Finnish) descent in gnomAD. At this time, the clinical significance of this variant is uncertain due to the absence of conclusive functional and genetic evidence.